The following is an entry in ClinVar:

ClinVar aggregate classification (germline): Uncertain significance (1 of 4 stars; one submission).

Allele frequency attached by ClinVar (database versions not stated): gnomAD exomes 0.00002; TOPMed 0.00002; ExAC 0.00003; gnomAD 0.00003; 1000 Genomes Project 30x 0.00016; 1000 Genomes Project 0.00020.
gnomAD v4.1: 41 of 1,613,932 alleles (0.0025%); highest among the groups gnomAD compares: African/African-American, 0.0093%; 1 homozygote.

Submission:

Labcorp Genetics (formerly Invitae), Labcorp
Classification: Uncertain significance. Last evaluated: 2023-10-18. Review status: criteria provided, single submitter. Criteria: Invitae Variant Classification Sherloc (09022015). Collection method: clinical testing. Allele origin: germline.
Comment: This sequence change replaces serine, which is neutral and polar, with leucine, which is neutral and non-polar, at codon 1057 of the FAT1 protein (p.Ser1057Leu). This variant is present in population databases (rs543528838, gnomAD 0.01%). This variant has not been reported in the literature in individuals affected with FAT1-related conditions. Advanced modeling of protein sequence and biophysical properties (such as structural, functional, and spatial information, amino acid conservation, physicochemical variation, residue mobility, and thermodynamic stability) performed at Invitae indicates that this missense variant is not expected to disrupt FAT1 protein function. In summary, the available evidence is currently insufficient to determine the role of this variant in disease. Therefore, it has been classified as a Variant of Uncertain Significance.

NM_005245.4(FAT1):c.3170C>T (p.Ser1057Leu)

Gene: FAT1 (FAT atypical cadherin 1; minus strand). Cytogenetic location: 4q35.2.
Variant type: single nucleotide variant.
Coding change: c.3170C>T on transcript NM_005245.4 (MANE Select); coding-DNA position 3170, C replaced by T.
Protein change: p.Ser1057Leu; replaces serine 1057 with leucine.
Molecular consequence: missense variant.
Genome position (GRCh38, 1-based): chr4:186,706,658, G>A on the plus strand (C>T on the coding strand, the complement: FAT1 is on the minus strand). VCF-style: chr4-186706658-G-A. GRCh37 (hg19) VCF-style: chr4-187627812-G-A.
Other names: short protein forms S1057L.
Identifiers: ClinVar variation 3020054 (VCV003020054.2), dbSNP rs543528838, ClinGen allele CA3167101.
Genomic context (GRCh38, chr4:186,706,658, plus strand): 5'-GAGCCATCTCTAATGGAGTATCGGATCTCCCCATCTCTTCTGGCGTCCTCATCATGAGCC[G>A]ACACCGTCATTACCAATGAACCAACAGGTGCATCTTCTTTCACTGTCCCCTTTTCCACAA-3'
Protein context (NP_005236.2, residues 1047-1067): APVGSLVMTV[Ser1057Leu]AHDEDARRDG